The following is an entry in ClinVar:

ClinVar aggregate classification (germline): Uncertain significance. Review status: criteria provided, multiple submitters, no conflicts (2 of 4 stars). 5 submissions from 4 submitters: Uncertain significance (5). Last evaluated 2024-04-02.

Conditions:
Cardiovascular phenotype. Identifiers: MedGen CN230736.
Inborn genetic diseases. Identifiers: MedGen C0950123, MeSH D030342.

Allele frequency attached by ClinVar (database versions not stated): gnomAD 0.00001; ExAC 0.00002; TOPMed 0.00004; 1000 Genomes Project 30x 0.00016; gnomAD exomes 0.00004 and 0.00001.
gnomAD v4.1: 18 of 1,606,804 alleles (0.0011%); highest among the groups gnomAD compares: Admixed American, 0.023%; no homozygotes.

Submissions (5):

Revvity Omics, Revvity
Classification: Uncertain significance. Last evaluated: 2024-04-02. Review status: criteria provided, single submitter. Criteria: ACMG Guidelines, 2015. Collection method: clinical testing. Allele origin: germline.

Ambry Genetics
Classification: Uncertain significance for Cardiovascular phenotype. Last evaluated: 2019-11-11. Review status: criteria provided, single submitter. Criteria: Ambry Variant Classification Scheme 2023. Collection method: clinical testing. Allele origin: germline.
Comment: The p.T13898P variant (also known as c.41692A>C), located in coding exon 151 of the TTN gene, results from an A to C substitution at nucleotide position 41692. The threonine at codon 13898 is replaced by proline, an amino acid with highly similar properties. This amino acid position is highly conserved in available vertebrate species. In addition, this alteration is predicted to be tolerated by in silico analysis. Since supporting evidence is limited at this time, the clinical significance of this alteration remains unclear.

Athena Diagnostics
Classification: Uncertain significance. Last evaluated: 2018-03-23. Review status: criteria provided, single submitter. Criteria: Athena Diagnostics Criteria. Collection method: clinical testing. Allele origin: germline.

Ambry Genetics
Classification: Uncertain significance for Hereditary disease. Last evaluated: 2017-11-08. Review status: criteria provided, single submitter. Criteria: ambry_reporting_categories_2017. Collection method: clinical testing. Allele origin: germline. Affected: yes. Observed: 1 heterozygote. Segregation with disease observed.
Comment: Lines of evidence used in support of classification: UNCERTAIN: Alteration(s) of Uncertain Clinical Significance Detected

Eurofins Ntd Llc (ga)
Classification: Uncertain significance. Last evaluated: 2016-11-15. Review status: criteria provided, single submitter. Criteria: EGL Classification Definitions 2015. Collection method: clinical testing. Allele origin: germline. Observed: 1 variant allele, 1 heterozygote.

Literature cited by the submitters: PubMed 23518707 (cited by Ambry Genetics); PubMed 23418287 (cited by Ambry Genetics); PubMed 24105469 (cited by Ambry Genetics); PubMed 11717165 (cited by Ambry Genetics); PubMed 22335739 (cited by Ambry Genetics); PubMed 10462489 (cited by Ambry Genetics); PubMed 21810661 (cited by Ambry Genetics); PubMed 12669942 (cited by Ambry Genetics); PubMed 21617319 (cited by Ambry Genetics); PubMed 18948003 (cited by Ambry Genetics); PubMed 1745277 (cited by Ambry Genetics); PubMed 24395473 (cited by Ambry Genetics); PubMed 12145747 (cited by Ambry Genetics); PubMed 17444505 (cited by Ambry Genetics).

NM_001267550.2(TTN):c.68887A>C (p.Thr22963Pro)

Genes: TTN (titin; minus strand), TTN-AS1 (TTN antisense RNA 1; plus strand). Cytogenetic location: 2q31.2.
Variant type: single nucleotide variant.
Coding change: c.68887A>C on transcript NM_001267550.2 (MANE Select); coding-DNA position 68887, A replaced by C.
Protein change: p.Thr22963Pro; replaces threonine 22963 with proline.
Molecular consequence: missense variant.
Genome position (GRCh38, 1-based): chr2:178,577,448, T>G on the plus strand (A>C on the coding strand, the complement: TTN is on the minus strand). VCF-style: chr2-178577448-T-G. GRCh37 (hg19) VCF-style: chr2-179442175-T-G.
Other names: c.68887A>C (LRG_391t1); c.63964A>C, p.Thr21322Pro (NM_001256850.1); c.41692A>C, p.Thr13898Pro (NM_003319.4); c.61183A>C, p.Thr20395Pro (NM_133378.4); c.42067A>C, p.Thr14023Pro (NM_133432.3); c.42268A>C, p.Thr14090Pro (NM_133437.4); short protein forms T20395P, T22963P, T14023P, T21322P, T14090P, T13898P.
Identifiers: ClinVar variation 498065 (VCV000498065.12), dbSNP rs771761816, ClinGen allele CA1991017.